The following is an entry in ClinVar:

NM_001110556.2(FLNA):c.1954G>A (p.Glu652Lys)

Gene: FLNA (filamin A; minus strand). Cytogenetic location: Xq28.
Variant type: single nucleotide variant.
Coding change: c.1954G>A on transcript NM_001110556.2 (MANE Select); coding-DNA position 1954, G replaced by A.
Protein change: p.Glu652Lys; replaces glutamic acid 652 with lysine.
Molecular consequence: missense variant.
Genome position (GRCh38, 1-based): chrX:154,364,594, C>T on the plus strand (G>A on the coding strand, the complement: FLNA is on the minus strand). VCF-style: chrX-154364594-C-T. GRCh37 (hg19) VCF-style: chrX-153592962-C-T.
Other names: p.Glu652Lys; c.1954G>A, p.Glu652Lys (NM_001456.4); short protein forms E652K.
Identifiers: ClinVar variation 1314665 (VCV001314665.20), dbSNP rs782043699, ClinGen allele CA10561043.
Genomic context (GRCh38, chrX:154,364,594, plus strand): 5'-GGTGGAAGTCCTGGGGCGCGTCACGGATGTCAGCCATGAAGGGGCTGAGGCGGATGTCTT[C>T]GCTGTTGCACAGCACGTGAACGGCATACTCGCCAGCCTCCTGCGGCCAGTAGCGCACATC-3'
Protein context (NP_001104026.1, residues 642-662): EYAVHVLCNS[Glu652Lys]DIRLSPFMAD

ClinVar aggregate classification (germline): Conflicting classifications of pathogenicity. Review status: criteria provided, conflicting classifications (1 of 4 stars). 5 submissions from 5 submitters: Uncertain significance (3); Benign (1); Likely benign (1). Last evaluated 2025-06-29.

Conditions:
Oto-palato-digital syndrome, type II (OPD2). Also called: OPD II SYNDROME; Otopalatodigital Syndrome, Type II; Otopalatodigital Syndrome Type 2 (FLNA-OPD2); FACIOPALATOOSSEOUS SYNDROME. Identifiers: Orphanet 669, Orphanet 90652, MedGen C1844696, MONDO:0010571, OMIM 304120.
Frontometaphyseal dysplasia (FMD1). Identifiers: Orphanet 1826, MedGen C0265293, MONDO:0015942.
Heterotopia, periventricular, X-linked dominant (PVNH1). Also called: PERIVENTRICULAR NODULAR HETEROTOPIA 1; X-linked periventricular heterotopia; HETEROTOPIA, PERIVENTRICULAR, 1; PERIVENTRICULAR NODULAR HETEROTOPIA 4. Identifiers: Orphanet 2149, Orphanet 82004, MedGen C1848213, MONDO:0010233, OMIM 300049.
Melnick-Needles syndrome (MNS). Also called: MELNICK-NEEDLES OSTEODYSPLASTY; OSTEODYSPLASTY OF MELNICK AND NEEDLES; Melnick-Needles Syndrome (FLNA-MNS). Identifiers: Orphanet 2484, MedGen C0025237, MONDO:0010650, OMIM 309350.

Allele frequency attached by ClinVar (database versions not stated): ExAC 0.00001; gnomAD exomes 0.00001 and 0.00002.
gnomAD v4.1: 11 of 1,211,235 alleles (0.00091%); highest among the groups gnomAD compares: South Asian, 0.0035%; no homozygotes.

Submissions (5):

Labcorp Genetics (formerly Invitae), Labcorp
Classification: Benign for Oto-palato-digital syndrome, type II; Heterotopia, periventricular, X-linked dominant; Frontometaphyseal dysplasia; Melnick-Needles syndrome. Last evaluated: 2025-06-29. Review status: criteria provided, single submitter. Criteria: Invitae Variant Classification Sherloc (09022015). Collection method: clinical testing. Allele origin: germline.

Mayo Clinic Laboratories, Mayo Clinic
Classification: Uncertain significance. Last evaluated: 2025-02-12. Review status: criteria provided, single submitter. Criteria: ACMG Guidelines, 2015. Collection method: clinical testing. Allele origin: germline. Observed: 1 variant allele.
Comment: BS2, PP2, PP3

CeGaT Center for Human Genetics Tuebingen
Classification: Likely benign. Last evaluated: 2024-12-01. Review status: criteria provided, single submitter. Criteria: CeGaT Center For Human Genetics Tuebingen Variant Classification Criteria Version 2. Collection method: clinical testing. Allele origin: germline. Affected: yes. Observed: 1 variant allele.
Comment: FLNA: BS2

GeneDx
Classification: Uncertain significance. Last evaluated: 2021-04-16. Review status: criteria provided, single submitter. Criteria: GeneDx Variant Classification Process June 2021. Collection method: clinical testing. Allele origin: germline. Affected: yes.
Comment: In silico analysis supports that this missense variant has a deleterious effect on protein structure/function; Has not been previously published as pathogenic or benign to our knowledge

Kariminejad - Najmabadi Pathology & Genetics Center
Classification: Uncertain significance. Last evaluated: 2020-06-07. Review status: criteria provided, single submitter. Criteria: ACMG Guidelines, 2015. Collection method: clinical testing. Allele origin: germline. Inheritance: X-linked inheritance. Affected: yes.
Comment: PM2, PP3

Literature cited by the submitters: PubMed 38374194 (cited by Mayo Clinic Laboratories, Mayo Clinic).